The following is an entry in ClinVar:

ClinVar aggregate classification (germline): Uncertain significance (1 of 4 stars; one submission).

Submission:

Labcorp Genetics (formerly Invitae), Labcorp
Classification: Uncertain significance. Last evaluated: 2022-06-15. Review status: criteria provided, single submitter. Criteria: Invitae Variant Classification Sherloc (09022015). Collection method: clinical testing. Allele origin: germline.
Comment: Algorithms developed to predict the effect of missense changes on protein structure and function are either unavailable or do not agree on the potential impact of this missense change (SIFT: "Deleterious"; PolyPhen-2: "Benign"; Align-GVGD: "Class C0"). This sequence change replaces lysine, which is basic and polar, with asparagine, which is neutral and polar, at codon 117 of the PDE6A protein (p.Lys117Asn). This variant is not present in population databases (gnomAD no frequency). This variant has not been reported in the literature in individuals affected with PDE6A-related conditions. In summary, the available evidence is currently insufficient to determine the role of this variant in disease. Therefore, it has been classified as a Variant of Uncertain Significance.

NM_000440.3(PDE6A):c.351G>C (p.Lys117Asn)

Gene: PDE6A (phosphodiesterase 6A; minus strand). Cytogenetic location: 5q32.
Variant type: single nucleotide variant.
Coding change: c.351G>C on transcript NM_000440.3 (MANE Select); coding-DNA position 351, G replaced by C.
Protein change: p.Lys117Asn; replaces lysine 117 with asparagine.
Molecular consequence: missense variant.
Genome position (GRCh38, 1-based): chr5:149,944,323, C>G on the plus strand (G>C on the coding strand, the complement: PDE6A is on the minus strand). VCF-style: chr5-149944323-C-G. GRCh37 (hg19) VCF-style: chr5-149323886-C-G.
Other names: c.351G>C, p.Lys117Asn (NM_001410788.1); short protein forms K117N.
Identifiers: ClinVar variation 2007226 (VCV002007226.4), dbSNP rs752524309, ClinGen allele CA361700290.
Genomic context (GRCh38, chr5:149,944,323, plus strand): 5'-GTCCAAAGGGAAGACGATCTCTTGGTCGGGCATCACCAGGCAGTCCTCGAGGACAGCATC[C>G]TTGTGGACATTGAAAAGCCTGGTGGCCAGCTCTGCGATGCCATTGCGGGTCCGGTACATG-3'
Protein context (NP_000431.2, residues 107-127): ELATRLFNVH[Lys117Asn]DAVLEDCLVM